The following is an entry in ClinVar:

ClinVar aggregate classification (germline): Uncertain significance (1 of 4 stars; one submission).

Submission:

Ambry Genetics
Classification: Uncertain significance. Last evaluated: 2023-12-19. Review status: criteria provided, single submitter. Criteria: Ambry Variant Classification Scheme 2023. Collection method: clinical testing. Allele origin: germline.
Comment: The p.W347* variant (also known as c.1041G>A), located in coding exon 6 of the GALNT12 gene, results from a G to A substitution at nucleotide position 1041. This changes the amino acid from a tryptophan to a stop codon within coding exon 6. This alteration is expected to result in loss of function by premature protein truncation or nonsense-mediated mRNA decay. The evidence for this gene-disease relationship is limited; therefore, the clinical significance of this alteration is unclear.

NM_024642.5(GALNT12):c.1041G>A (p.Trp347Ter)

Gene: GALNT12 (polypeptide N-acetylgalactosaminyltransferase 12; plus strand). Cytogenetic location: 9q22.33.
Variant type: single nucleotide variant.
Coding change: c.1041G>A on transcript NM_024642.5 (MANE Select); coding-DNA position 1041, G replaced by A.
Protein change: p.Trp347Ter; replaces tryptophan 347 with a stop codon.
Molecular consequence: nonsense.
Genome position (GRCh38, 1-based): chr9:98,836,977, G>A. VCF-style: chr9-98836977-G-A. GRCh37 (hg19) VCF-style: chr9-101599259-G-A.
Other names: short protein forms W347*.
Identifiers: ClinVar variation 3227894 (VCV003227894.1), dbSNP rs2118450090, ClinGen allele CA374219612.